The following is an entry in ClinVar:

NM_001378457.1(DMXL2):c.7294A>G (p.Lys2432Glu)

Gene: DMXL2 (Dmx like 2; minus strand). Cytogenetic location: 15q21.2.
Variant type: single nucleotide variant.
Coding change: c.7294A>G on transcript NM_001378457.1 (MANE Select); coding-DNA position 7294, A replaced by G.
Protein change: p.Lys2432Glu; replaces lysine 2432 with glutamic acid.
Molecular consequence: missense variant. On other transcripts: non-coding transcript variant (2).
Genome position (GRCh38, 1-based): chr15:51,471,321, T>C on the plus strand (A>G on the coding strand, the complement: DMXL2 is on the minus strand). VCF-style: chr15-51471321-T-C. GRCh37 (hg19) VCF-style: chr15-51763518-T-C.
Other names: c.7294A>G, p.Lys2432Glu (NM_001174116.3, NM_001378459.1, NM_001378461.1 and 1 more transcripts); c.5383A>G, p.Lys1795Glu (NM_001174117.3); c.7291A>G, p.Lys2431Glu (NM_001378458.1, NM_001378462.1, NM_015263.5); c.5272A>G, p.Lys1758Glu (NM_001378460.1); c.7051A>G, p.Lys2351Glu (NM_001378464.1); short protein forms K1758E, K1795E, K2351E, K2432E, K2431E.
Identifiers: ClinVar variation 4715198 (VCV004715198.1).

ClinVar aggregate classification (germline): Uncertain significance (1 of 4 stars; one submission).

Submission:

Labcorp Genetics (formerly Invitae), Labcorp
Classification: Uncertain significance. Last evaluated: 2025-03-16. Review status: criteria provided, single submitter. Criteria: Invitae Variant Classification Sherloc (09022015). Collection method: clinical testing. Allele origin: germline.
Comment: This sequence change replaces lysine, which is basic and polar, with glutamic acid, which is acidic and polar, at codon 2432 of the DMXL2 protein (p.Lys2432Glu). This variant is not present in population databases (gnomAD no frequency). This variant has not been reported in the literature in individuals affected with DMXL2-related conditions. An algorithm developed to predict the effect of missense changes on protein structure and function (PolyPhen-2) suggests that this variant is likely to be tolerated. In summary, the available evidence is currently insufficient to determine the role of this variant in disease. Therefore, it has been classified as a Variant of Uncertain Significance.